The following is an entry in ClinVar:

ClinVar aggregate classification (germline): Uncertain significance (1 of 4 stars; one submission).

Conditions:
Duchenne muscular dystrophy (DMD). Also called: MUSCULAR DYSTROPHY, PSEUDOHYPERTROPHIC PROGRESSIVE, DUCHENNE TYPE; Duchenne Muscular Dystrophy (DMD). Identifiers: Orphanet 98896, MedGen C0013264, MONDO:0010679, OMIM 310200.

Allele frequency attached by ClinVar (database versions not stated): gnomAD exomes below 0.00001; ExAC 0.00001.
gnomAD v4.1: 1 of 1,209,225 alleles (0.000083%); highest among the groups gnomAD compares: Admixed American, 0.0022%; no homozygotes.

Submission:

Labcorp Genetics (formerly Invitae), Labcorp
Classification: Uncertain significance for Duchenne muscular dystrophy. Last evaluated: 2024-01-21. Review status: criteria provided, single submitter. Criteria: Invitae Variant Classification Sherloc (09022015). Collection method: clinical testing. Allele origin: germline.
Comment: This sequence change replaces arginine, which is basic and polar, with lysine, which is basic and polar, at codon 3300 of the DMD protein (p.Arg3300Lys). This variant is present in population databases (rs775899898, gnomAD 0.004%). This variant has not been reported in the literature in individuals affected with DMD-related conditions. Advanced modeling of protein sequence and biophysical properties (such as structural, functional, and spatial information, amino acid conservation, physicochemical variation, residue mobility, and thermodynamic stability) performed at Invitae indicates that this missense variant is not expected to disrupt DMD protein function with a negative predictive value of 95%. In summary, the available evidence is currently insufficient to determine the role of this variant in disease. Therefore, it has been classified as a Variant of Uncertain Significance.

NM_004006.3(DMD):c.9899G>A (p.Arg3300Lys)

Gene: DMD (dystrophin; minus strand). Cytogenetic location: Xp21.2.
Variant type: single nucleotide variant.
Coding change: c.9899G>A on transcript NM_004006.3 (MANE Select); coding-DNA position 9899, G replaced by A.
Protein change: p.Arg3300Lys; replaces arginine 3300 with lysine.
Molecular consequence: missense variant.
Genome position (GRCh38, 1-based): chrX:31,182,813, C>T on the plus strand (G>A on the coding strand, the complement: DMD is on the minus strand). VCF-style: chrX-31182813-C-T. GRCh37 (hg19) VCF-style: chrX-31200930-C-T.
Other names: c.9875G>A, p.Arg3292Lys (NM_000109.4); c.9887G>A, p.Arg3296Lys (NM_004009.3); c.9530G>A, p.Arg3177Lys (NM_004010.3); c.5876G>A, p.Arg1959Lys (NM_004011.4); c.5867G>A, p.Arg1956Lys (NM_004012.4); c.2519G>A, p.Arg840Lys (NM_004013.3, NM_004020.4, NM_004021.3 and 2 more transcripts); c.1712G>A, p.Arg571Lys (NM_004014.3); c.695G>A, p.Arg232Lys (NM_004015.3, NM_004016.3, NM_004017.3 and 2 more transcripts); short protein forms R1956K, R232K, R3300K, R3296K, R840K, R1959K, R3177K, R3292K.
Identifiers: ClinVar variation 3018238 (VCV003018238.3), dbSNP rs775899898, ClinGen allele CA10377727.